The following is an entry in ClinVar:

NM_018975.4(TERF2IP):c.343C>G (p.Pro115Ala)

Gene: TERF2IP (TERF2 interacting protein; plus strand). Cytogenetic location: 16q23.1.
Variant type: single nucleotide variant.
Coding change: c.343C>G on transcript NM_018975.4 (MANE Select); coding-DNA position 343, C replaced by G.
Protein change: p.Pro115Ala; replaces proline 115 with alanine.
Molecular consequence: missense variant. On other transcripts: non-coding transcript variant (1).
Genome position (GRCh38, 1-based): chr16:75,648,225, C>G. VCF-style: chr16-75648225-C-G. GRCh37 (hg19) VCF-style: chr16-75682123-C-G.
Other names: short protein forms P115A.
Identifiers: ClinVar variation 1731449 (VCV001731449.3), dbSNP rs896925236, ClinGen allele CA396817710.

ClinVar aggregate classification (germline): Uncertain significance (1 of 4 stars; one submission).

Submission:

Ambry Genetics
Classification: Uncertain significance. Last evaluated: 2024-09-21. Review status: criteria provided, single submitter. Criteria: Ambry Variant Classification Scheme 2023. Collection method: clinical testing. Allele origin: germline.
Comment: The p.P115A variant (also known as c.343C>G), located in coding exon 1 of the TERF2IP gene, results from a C to G substitution at nucleotide position 343. The proline at codon 115 is replaced by alanine, an amino acid with highly similar properties. This amino acid position is conserved. In addition, this alteration is predicted to be tolerated by in silico analysis. Since supporting evidence is limited at this time, the clinical significance of this alteration remains unclear.